The following is an entry in ClinVar:

ClinVar aggregate classification (germline): Uncertain significance. Review status: criteria provided, multiple submitters, no conflicts (2 of 4 stars). 2 submissions from 2 submitters: Uncertain significance (2). Last evaluated 2025-06-09.

Conditions:
Malignant hyperthermia, susceptibility to, 1 (MHS1). Also called: Anesthesia related hyperthermia; Malignant hyperpyrexia; Fulminating hyperpyrexia; Pharmacogenic myopathy; RYR1-Related Malignant Hyperthermia Susceptibility; Malignant hyperthermia suceptibility 1. Identifiers: Orphanet 423, MedGen C2930980, MONDO:0007783, OMIM 145600.

Submissions (2):

Color Diagnostics, LLC DBA Color Health
Classification: Uncertain significance for Malignant hyperthermia, susceptibility to, 1. Last evaluated: 2025-06-09. Review status: criteria provided, single submitter. Criteria: ACMG Guidelines, 2015. Collection method: clinical testing. Allele origin: germline.
Comment: This missense variant replaces glycine with valine at codon 3254 of the RYR1 protein. Computational prediction suggests that this variant may not impact protein structure and function. To our knowledge, functional studies have not been reported for this variant. This variant has not been reported in individuals affected with RYR1-related disorders in the literature. This variant has not been identified in the general population by the Genome Aggregation Database (gnomAD). The available evidence is insufficient to determine the role of this variant in disease conclusively. Therefore, this variant is classified as a Variant of Uncertain Significance.

All of Us Research Program, National Institutes of Health
Classification: Uncertain significance for Malignant hyperthermia, susceptibility to, 1. Last evaluated: 2023-09-17. Review status: criteria provided, single submitter. Criteria: ACMG Guidelines, 2015. Collection method: clinical testing. Allele origin: germline. Inheritance: Autosomal dominant inheritance. Observed: 2 variant alleles, 2 heterozygotes.
Comment: This missense variant replaces glycine with valine at codon 3254 of the RYR1 protein. Computational prediction suggests that this variant may not impact protein structure and function (internally defined REVEL score threshold <= 0.5, PMID: 27666373). To our knowledge, functional studies have not been reported for this variant. This variant has not been reported in individuals affected with RYR1-related disorders in the literature. This variant has not been identified in the general population by the Genome Aggregation Database (gnomAD). The available evidence is insufficient to determine the role of this variant in disease conclusively. Therefore, this variant is classified as a Variant of Uncertain Significance.

This study involves interpretation of variants in research participants for the purpose of population health screening. Participant phenotype was not available at the time of variant classification. Additional details can be found in publication PMID: 35346344, PMCID: PMC8962531

NM_000540.3(RYR1):c.9761G>T (p.Gly3254Val)

Gene: RYR1 (ryanodine receptor 1; plus strand). Cytogenetic location: 19q13.2.
Variant type: single nucleotide variant.
Coding change: c.9761G>T on transcript NM_000540.3 (MANE Select); coding-DNA position 9761, G replaced by T.
Protein change: p.Gly3254Val; replaces glycine 3254 with valine.
Molecular consequence: missense variant.
Genome position (GRCh38, 1-based): chr19:38,517,434, G>T. VCF-style: chr19-38517434-G-T. GRCh37 (hg19) VCF-style: chr19-39008074-G-T.
Other names: c.9761G>T, p.Gly3254Val (NM_001042723.2); short protein forms G3254V.
Identifiers: ClinVar variation 3070906 (VCV003070906.2), dbSNP rs1456917934, ClinGen allele CA405691878.
Genomic context (GRCh38, chr19:38,517,434, plus strand): 5'-ACAGTGTGGAGGAGATGTGTCCCGACATCCCGGTGCTGGAGCGGCTCATGGCAGACATTG[G>T]GGGGCTGGCCGAGTCAGGTGCCCGCTACACAGAGATGCCGCATGTCATCGAGATCACGCT-3'
Protein context (NP_000531.2, residues 3244-3264): PVLERLMADI[Gly3254Val]GLAESGARYT